The following is an entry in ClinVar:

NM_033026.6(PCLO):c.5611G>A (p.Glu1871Lys)

Gene: PCLO (piccolo presynaptic cytomatrix protein; minus strand). Cytogenetic location: 7q21.11.
Variant type: single nucleotide variant.
Coding change: c.5611G>A on transcript NM_033026.6 (MANE Select); coding-DNA position 5611, G replaced by A.
Protein change: p.Glu1871Lys; replaces glutamic acid 1871 with lysine.
Molecular consequence: missense variant.
Genome position (GRCh38, 1-based): chr7:82,955,342, C>T on the plus strand (G>A on the coding strand, the complement: PCLO is on the minus strand). VCF-style: chr7-82955342-C-T. GRCh37 (hg19) VCF-style: chr7-82584658-C-T.
Other names: c.5611G>A, p.Glu1871Lys (NM_014510.3); short protein forms E1871K.
Identifiers: ClinVar variation 1519471 (VCV001519471.7), dbSNP rs369616405, ClinGen allele CA161150086.

ClinVar aggregate classification (germline): Uncertain significance (1 of 4 stars; one submission).

Allele frequency attached by ClinVar (database versions not stated): gnomAD 0.00001; gnomAD exomes 0.00002.
gnomAD v4.1: 26 of 1,613,534 alleles (0.0016%); highest among the groups gnomAD compares: Middle Eastern, 0.016%; no homozygotes.

Submission:

Labcorp Genetics (formerly Invitae), Labcorp
Classification: Uncertain significance. Last evaluated: 2021-06-13. Review status: criteria provided, single submitter. Criteria: Invitae Variant Classification Sherloc (09022015). Collection method: clinical testing. Allele origin: germline.
Comment: This sequence change replaces glutamic acid with lysine at codon 1871 of the PCLO protein (p.Glu1871Lys). The glutamic acid residue is moderately conserved and there is a small physicochemical difference between glutamic acid and lysine. This variant is not present in population databases (ExAC no frequency). This variant has not been reported in the literature in individuals with PCLO-related conditions. Algorithms developed to predict the effect of missense changes on protein structure and function are either unavailable or do not agree on the potential impact of this missense change (SIFT: "Deleterious"; PolyPhen-2: "Not Available"; Align-GVGD: "Class C0"). In summary, the available evidence is currently insufficient to determine the role of this variant in disease. Therefore, it has been classified as a Variant of Uncertain Significance.